The following is an entry in ClinVar:

ClinVar aggregate classification (germline): Likely benign (1 of 4 stars; one submission).

Allele frequency attached by ClinVar (database versions not stated): gnomAD exomes below 0.00001.

Submission:

CeGaT Center for Human Genetics Tuebingen
Classification: Likely benign. Last evaluated: 2024-03-01. Review status: criteria provided, single submitter. Criteria: CeGaT Center For Human Genetics Tuebingen Variant Classification Criteria Version 2. Collection method: clinical testing. Allele origin: germline. Affected: yes. Observed: 1 variant allele.
Comment: KBTBD13: PM2:Supporting, BP4, BP7

NM_001101362.3(KBTBD13):c.1273A>C (p.Arg425=)

Gene: KBTBD13 (kelch repeat and BTB domain containing 13; plus strand). Cytogenetic location: 15q22.31.
Variant type: single nucleotide variant.
Coding change: c.1273A>C on transcript NM_001101362.3 (MANE Select); coding-DNA position 1273, A replaced by C.
Protein change: p.Arg425=; no amino-acid change (arginine 425 retained).
Molecular consequence: synonymous variant.
Genome position (GRCh38, 1-based): chr15:65,078,088, A>C. VCF-style: chr15-65078088-A-C. GRCh37 (hg19) VCF-style: chr15-65370426-A-C.
Identifiers: ClinVar variation 2645456 (VCV002645456.24), dbSNP rs2506313146, ClinGen allele CA490828777.